The following is an entry in ClinVar:

NM_001080467.3(MYO5B):c.*3273G>A

Genes: MYO5B (myosin VB; minus strand), SNHG22 (small nucleolar RNA host gene 22; plus strand). Cytogenetic location: 18q21.1.
Variant type: single nucleotide variant.
Coding change: c.*3273G>A on transcript NM_001080467.3 (MANE Select); 3273 bases downstream of the stop codon, G replaced by A.
Molecular consequence: 3 prime UTR variant.
Genome position (GRCh38, 1-based): chr18:49,823,198, C>T on the plus strand (G>A on the coding strand, the complement: MYO5B is on the minus strand). VCF-style: chr18-49823198-C-T. GRCh37 (hg19) VCF-style: chr18-47349568-C-T.
Identifiers: ClinVar variation 326925 (VCV000326925.6), dbSNP rs9947739, ClinGen allele CA10650880.

ClinVar aggregate classification (germline): Benign. Review status: criteria provided, multiple submitters, no conflicts (2 of 4 stars). 2 submissions from 2 submitters: Benign (2). Last evaluated 2018-01-12.

Conditions:
Congenital microvillous atrophy (DIAR2). Also called: DAVIDSON DISEASE; MICROVILLUS ATROPHY, CONGENITAL; Microvillus inclusion disease; Diarrhea 2 with microvillus atrophy, with or without cholestasis; CONGENITAL FAMILIAL PROTRACTED DIARRHEA WITH ENTEROCYTE BRUSH-BORDER ABNORMALITIES. Identifiers: Orphanet 2290, MedGen C0341306, MONDO:0009635, OMIM 251850.

Allele frequency attached by ClinVar (database versions not stated): gnomAD 0.02247 and 0.02485; TOPMed 0.02436; 1000 Genomes Project 0.04852.

Submissions (2):

Illumina Laboratory Services, Illumina
Classification: Benign for Congenital microvillous atrophy. Last evaluated: 2018-01-12. Review status: criteria provided, single submitter. Criteria: ICSL Variant Classification Criteria 13 December 2019. Collection method: clinical testing. Allele origin: germline.
Comment: This variant was observed in the ICSL laboratory as part of a predisposition screen in an ostensibly healthy population. It had not been previously curated by ICSL or reported in the Human Gene Mutation Database (HGMD: prior to June 1st, 2018), and was therefore a candidate for classification through an automated scoring system. Utilizing variant allele frequency, disease prevalence and penetrance estimates, and inheritance mode, an automated score was calculated to assess if this variant is too frequent to cause the disease. Based on the score and internal cut-off values, a variant classified as benign is not then subjected to further curation. The score for this variant resulted in a classification of benign for this disease.

Breakthrough Genomics
Classification: Benign. Review status: criteria provided, single submitter. Criteria: ACMG Guidelines, 2015. Collection method: not provided. Allele origin: germline. Inheritance: Autosomal recessive inheritance. Affected: yes.